The following is an entry in ClinVar:

ClinVar aggregate classification (germline): Likely benign (0 of 4 stars; one submission).

Conditions:
GPATCH3-related disorder. Also called: GPATCH3-related condition.

Allele frequency attached by ClinVar (database versions not stated): gnomAD 0.00001; TOPMed 0.00006.
gnomAD v4.1: 4 of 152,110 alleles (0.0026%); highest among the groups gnomAD compares: Non-Finnish European, 0.0029%; no homozygotes.

Submission:

PreventionGenetics, part of Exact Sciences
Classification: Likely benign for GPATCH3-related condition. Last evaluated: 2019-08-20. Review status: no assertion criteria provided. Collection method: clinical testing. Allele origin: germline.
Comment: This variant is classified as likely benign based on ACMG/AMP sequence variant interpretation guidelines (Richards et al. 2015 PMID: 25741868, with internal and published modifications).

NC_000001.11:g.26900659A>G

Genes: GPATCH3 (G-patch domain containing 3; minus strand), NUDC (nuclear distribution C, dynein complex regulator; plus strand). Cytogenetic location: 1p36.11.
Variant type: single nucleotide variant.
Genome position: GRCh38 VCF-style: chr1-26900659-A-G. GRCh37 (hg19) VCF-style: chr1-27227150-A-G.
Identifiers: ClinVar variation 3049455 (VCV003049455.2), dbSNP rs893068600, ClinGen allele CA19817347.
Genomic context (GRCh38, chr1:26,900,659, plus strand): 5'-CTTTCCCACAGAGGGAAGCCGGCGATGATGGAAAAACTCACCTGGAAAATGGGGTCATAG[A>G]GTTCTTTCATAAAGCTCTCATGAGGACCAAATAAGAAGCCTGCGGGAGGGGTCATTTTTG-3'